The following is an entry in ClinVar:

NM_001376.5(DYNC1H1):c.7116C>A (p.Asp2372Glu)

Gene: DYNC1H1 (dynein cytoplasmic 1 heavy chain 1; plus strand). Cytogenetic location: 14q32.31.
Variant type: single nucleotide variant.
Coding change: c.7116C>A on transcript NM_001376.5 (MANE Select); coding-DNA position 7116, C replaced by A.
Protein change: p.Asp2372Glu; replaces aspartic acid 2372 with glutamic acid.
Molecular consequence: missense variant.
Genome position (GRCh38, 1-based): chr14:102,015,206, C>A. VCF-style: chr14-102015206-C-A. GRCh37 (hg19) VCF-style: chr14-102481543-C-A.
Other names: short protein forms D2372E.
Identifiers: ClinVar variation 572376 (VCV000572376.14), dbSNP rs377242217, ClinGen allele CA267006068.
Genomic context (GRCh38, chr14:102,015,206, plus strand): 5'-CTTGGCCACAGTGTCGCGCTGCGGCATGGTCTGGTTCAGTGAGGATGTGCTGAGCACCGA[C>A]ATGATCTTCAACAACTTCCTGGCCAGGCTGCGCAGCATCCCGCTGGATGAAGGGGAGGAT-3'
Protein context (NP_001367.2, residues 2362-2382): VWFSEDVLST[Asp2372Glu]MIFNNFLARL

ClinVar aggregate classification (germline): Uncertain significance. Review status: criteria provided, multiple submitters, no conflicts (2 of 4 stars). 3 submissions from 3 submitters: Uncertain significance (3). Last evaluated 2024-07-23.

Conditions:
Inborn genetic diseases. Identifiers: MedGen C0950123, MeSH D030342.
Charcot-Marie-Tooth disease axonal type 2O. Also called: Charcot-Marie-Tooth Neuropathy Type 2O; CHARCOT-MARIE-TOOTH NEUROPATHY, AXONAL, TYPE 2O; CHARCOT-MARIE-TOOTH DISEASE, AXONAL, AUTOSOMAL DOMINANT, TYPE 2O; Charcot-Marie-Tooth disease, axonal, type 20. Identifiers: Orphanet 284232, MedGen C3280220, MONDO:0013644, OMIM 614228.

Allele frequency attached by ClinVar (database versions not stated): gnomAD 0.00003 and 0.00004; TOPMed 0.00004; ESP Exome Variant Server 0.00008.
gnomAD v4.1: 22 of 1,614,112 alleles (0.0014%); highest among the groups gnomAD compares: Non-Finnish European, 0.0019%; no homozygotes.

Submissions (3):

Labcorp Genetics (formerly Invitae), Labcorp
Classification: Uncertain significance for Charcot-Marie-Tooth disease axonal type 2O. Last evaluated: 2024-07-23. Review status: criteria provided, single submitter. Criteria: Invitae Variant Classification Sherloc (09022015). Collection method: clinical testing. Allele origin: germline.
Comment: This sequence change replaces aspartic acid, which is acidic and polar, with glutamic acid, which is acidic and polar, at codon 2372 of the DYNC1H1 protein (p.Asp2372Glu). This variant is not present in population databases (gnomAD no frequency). This variant has not been reported in the literature in individuals affected with DYNC1H1-related conditions. ClinVar contains an entry for this variant (Variation ID: 572376). Advanced modeling of protein sequence and biophysical properties (such as structural, functional, and spatial information, amino acid conservation, physicochemical variation, residue mobility, and thermodynamic stability) performed at Invitae indicates that this missense variant is not expected to disrupt DYNC1H1 protein function with a negative predictive value of 95%. In summary, the available evidence is currently insufficient to determine the role of this variant in disease. Therefore, it has been classified as a Variant of Uncertain Significance.

GeneDx
Classification: Uncertain significance. Last evaluated: 2024-04-09. Review status: criteria provided, single submitter. Criteria: GeneDx Variant Classification Process June 2021. Collection method: clinical testing. Allele origin: germline. Affected: yes.
Comment: Not observed at significant frequency in large population cohorts (gnomAD); In silico analysis supports that this missense variant does not alter protein structure/function; Has not been previously published as pathogenic or benign to our knowledge; This variant is associated with the following publications: (PMID: 25512093, 25609763, 26100331)

Ambry Genetics
Classification: Uncertain significance for Inborn genetic diseases. Last evaluated: 2019-05-19. Review status: criteria provided, single submitter. Criteria: Ambry Variant Classification Scheme 2023. Collection method: clinical testing. Allele origin: germline.
Comment: The p.D2372E variant (also known as c.7116C>A), located in coding exon 35 of the DYNC1H1 gene, results from a C to A substitution at nucleotide position 7116. The aspartic acid at codon 2372 is replaced by glutamic acid, an amino acid with highly similar properties. This amino acid position is highly conserved in available vertebrate species. In addition, this alteration is predicted to be tolerated by in silico analysis. Since supporting evidence is limited at this time, the clinical significance of this alteration remains unclear.